The following is an entry in ClinVar:

NM_000170.3(GLDC):c.1525C>G (p.Pro509Ala)

Gene: GLDC (glycine decarboxylase; minus strand). Cytogenetic location: 9p24.1.
Variant type: single nucleotide variant.
Coding change: c.1525C>G on transcript NM_000170.3 (MANE Select); coding-DNA position 1525, C replaced by G.
Protein change: p.Pro509Ala; replaces proline 509 with alanine.
Molecular consequence: missense variant.
Genome position (GRCh38, 1-based): chr9:6,589,250, G>C on the plus strand (C>G on the coding strand, the complement: GLDC is on the minus strand). VCF-style: chr9-6589250-G-C. GRCh37 (hg19) VCF-style: chr9-6589250-G-C.
Other names: short protein forms P509A.
Identifiers: ClinVar variation 462855 (VCV000462855.17), dbSNP rs557412758, ClinGen allele CA4980667.

ClinVar aggregate classification (germline): Conflicting classifications of pathogenicity. Review status: criteria provided, conflicting classifications (1 of 4 stars). 9 submissions from 9 submitters: Likely pathogenic (1); Uncertain significance (6). 2 of the submissions do not count toward it. Last evaluated 2026-03-09.

Conditions:
Glycine encephalopathy 1 (GCE1). Identifiers: MedGen CN376801, MONDO:0958179, OMIM 605899.
Glycine encephalopathy. Also called: Non-ketotic hyperglycinemia; Nonketotic hyperglycinemia. Identifiers: Orphanet 407, MedGen C0751748, MONDO:0011612, HP:0008288.

Allele frequency attached by ClinVar (database versions not stated): gnomAD 0.00001 and 0.00007; TOPMed 0.00002; 1000 Genomes Project 0.00020; ExAC 0.00029; 1000 Genomes Project 30x 0.00062.
gnomAD v4.1: 259 of 1,611,172 alleles (0.016%); highest among the groups gnomAD compares: South Asian, 0.27%; 3 homozygotes.

Submissions (9):

Women's Health and Genetics/Laboratory Corporation of America, LabCorp
Classification: Uncertain significance. Last evaluated: 2026-03-09. Review status: criteria provided, single submitter. Criteria: LabCorp Variant Classification Summary - May 2015. Collection method: clinical testing. Allele origin: germline.
Comment: Variant summary: GLDC c.1525C>G (p.Pro509Ala) results in a non-conservative amino acid change in the encoded protein sequence. Algorithms developed to predict the effect of missense changes on protein structure and function are either unavailable or do not agree on the potential impact of this missense change. The variant allele was found at a frequency of 0.0003 in 251472 control chromosomes, predominantly at a frequency of 0.0024 within the South Asian subpopulation in the gnomAD database. This frequency is not significantly higher than estimated for disease-causing variants in GLDC, allowing no conclusion about variant significance. c.1525C>G has been observed as a heterozygous genotype in a patient with a neural tube defect (Narisawa_2012) and in compound heterozygosity with another variant of uncertain significance following multigene panel testing in an individual with clinical and biochemical features suggestive of glycine encephalopathy (Arize_2014). These reports do not provide unequivocal conclusions about association of the variant with Glycine Encephalopathy (Non-Ketotic Hyperglycinemia). At least one publication reports experimental evidence evaluating an impact on protein function and found the variant resulted in 41% of normal GLDC activity in an in-vitro experimental system (Narisawa_2012). The following publications have been ascertained in the context of this evaluation (PMID: 25231368, 32421718, 22171071, 29232014). ClinVar contains an entry for this variant (Variation ID: 462855). Based on the evidence outlined above, the variant was classified as VUS-possibly pathogenic.

Blueprint Genetics
Classification: Uncertain significance. Last evaluated: 2024-05-16. Review status: criteria provided, single submitter. Criteria: ACMG Guidelines, 2015. Collection method: clinical testing. Allele origin: germline.

Revvity Omics, Revvity
Classification: Uncertain significance for Glycine encephalopathy 1. Last evaluated: 2023-07-05. Review status: criteria provided, single submitter. Criteria: ACMG Guidelines, 2015. Collection method: clinical testing. Allele origin: germline.

Neuberg Centre For Genomic Medicine, NCGM
Classification: Likely pathogenic for Glycine encephalopathy 1. Last evaluated: 2023-06-02. Review status: criteria provided, single submitter. Criteria: ACMG Guidelines, 2015. Collection method: clinical testing. Allele origin: germline. Inheritance: Autosomal recessive inheritance. Affected: yes.
Comment: The observed missense c.1525C>G(p.Pro509Ala) variant in GLDC gene has been reported previously in compound heterozygous state in individuals affected with transient glycine encephalopathy and a neural tube defect (Azize NA, et al., 2014; Narisawa A, et al., 2012). Published functional studies demonstrate that this variant resulted in a significant reduction in GLDC activity compared to wild-type (Narisawa A, et al., 2012). The p.Pro509Ala variant has been reported with allele frequency of 0.03% in gnomAD Exomes. This variant has been reported to the ClinVar database as Uncertain Significance (multiple submissions). Multiple lines of computational evidences (Polyphen - Benign, SIFT - Tolerated and MutationTaster - Polymorphism) predict no damaging effect on protein structure and function for this variant. The reference amino acid change at this position on GLDC gene is predicted as conserved by GERP++ and PhyloP across 100 vertebrates. The amino acid Pro at position 509 is changed to a Ala changing protein sequence and it might alter its composition and physico-chemical properties. However, due to limited and insufficient evidence, additional functional studies will be required to prove the pathogenicity of this variant conclusively. For these reasons, this variant has been classified as Likely Pathogenic.

Labcorp Genetics (formerly Invitae), Labcorp
Classification: Uncertain significance for Glycine encephalopathy. Last evaluated: 2022-08-12. Review status: criteria provided, single submitter. Criteria: Invitae Variant Classification Sherloc (09022015). Collection method: clinical testing. Allele origin: germline.
Comment: This sequence change replaces proline, which is neutral and non-polar, with alanine, which is neutral and non-polar, at codon 509 of the GLDC protein (p.Pro509Ala). This variant is present in population databases (rs557412758, gnomAD 0.2%). This missense change has been observed in individual(s) with possible transient glycine encephalopathy and a neural tube defect (PMID: 22171071, 25231368). ClinVar contains an entry for this variant (Variation ID: 462855). Advanced modeling of protein sequence and biophysical properties (such as structural, functional, and spatial information, amino acid conservation, physicochemical variation, residue mobility, and thermodynamic stability) performed at Invitae indicates that this missense variant is not expected to disrupt GLDC protein function. Experimental studies have shown that this missense change affects GLDC function (PMID: 22171071). In summary, the available evidence is currently insufficient to determine the role of this variant in disease. Therefore, it has been classified as a Variant of Uncertain Significance.

Fulgent Genetics
Classification: Uncertain significance for Glycine encephalopathy 1. Last evaluated: 2021-09-09. Review status: criteria provided, single submitter. Criteria: ACMG Guidelines, 2015. Collection method: clinical testing. Allele origin: unknown.

GeneDx
Classification: Uncertain significance. Last evaluated: 2019-03-14. Review status: criteria provided, single submitter. Criteria: GeneDx Variant Classification Process June 2021. Collection method: clinical testing. Allele origin: germline. Affected: yes.
Comment: Observed with a GLDC variant on the opposite allele (in trans) in a patient with glycine encephalopathy in published literature (Azize et al., 2014); Identified in a patient with anencephaly; however, a second GLDC variant was not detected (Narisawa et al., 2012); Published functional studies demonstrate that P509A resulted in a significant reduction in GLDC activity compared to wild-type (Narisawa et al., 2012); In silico analysis, which includes protein predictors and evolutionary conservation, supports that this variant does not alter protein structure/function; This variant is associated with the following publications: (PMID: 22171071, 25231368)

Natera, Inc.
Classification: Uncertain significance for Non-ketotic hyperglycinemia. Last evaluated: 2020-09-16. Review status: no assertion criteria provided. Collection method: clinical testing. Allele origin: germline. Not counted in ClinVar's aggregate classification.

Counsyl
Classification: Uncertain significance for Glycine encephalopathy 1. Last evaluated: 2016-12-16. Review status: no assertion criteria provided. Collection method: clinical testing. Allele origin: unknown. Not counted in ClinVar's aggregate classification.

Literature cited by the submitters: PubMed 22171071 (cited by 3 submitters); PubMed 29232014 (cited by Women's Health and Genetics/Laboratory Corporation of America, LabCorp); PubMed 25231368 (cited by 3 submitters); PubMed 32421718 (cited by Women's Health and Genetics/Laboratory Corporation of America, LabCorp); PubMed 27799067 (cited by Counsyl).